The following is an entry in ClinVar:

ClinVar aggregate classification (germline): Pathogenic (1 of 4 stars; one submission).

Conditions:
MPI-congenital disorder of glycosylation. Also called: MANNOSEPHOSPHATE ISOMERASE DEFICIENCY; MPI DEFICIENCY; PROTEIN-LOSING ENTEROPATHY-HEPATIC FIBROSIS SYNDROME; CDG Ib; CONGENITAL DISORDER OF GLYCOSYLATION, TYPE Ib; MPI-CDG. Identifiers: Orphanet 79319, MedGen C1865145, MONDO:0011257, OMIM 602579.

Submission:

Labcorp Genetics (formerly Invitae), Labcorp
Classification: Pathogenic for MPI-congenital disorder of glycosylation. Last evaluated: 2022-03-12. Review status: criteria provided, single submitter. Criteria: Invitae Variant Classification Sherloc (09022015). Collection method: clinical testing. Allele origin: germline.
Comment: This sequence change creates a premature translational stop signal (p.Ser380Hisfs*26) in the MPI gene. While this is not anticipated to result in nonsense mediated decay, it is expected to disrupt the last 44 amino acid(s) of the MPI protein. This variant is present in population databases (no rsID available, gnomAD 0.06%). For these reasons, this variant has been classified as Pathogenic. This variant disrupts a region of the MPI protein in which other variant(s) (p.Ile398Thr ) have been determined to be pathogenic (PMID: 10484808, 30545931). This suggests that this is a clinically significant region of the protein, and that variants that disrupt it are likely to be disease-causing. This variant has not been reported in the literature in individuals affected with MPI-related conditions.

Literature cited by the submitters: PubMed 10484808; PubMed 30545931.

NM_002435.3(MPI):c.1137_1140del (p.Ser380fs)

Gene: MPI (mannose phosphate isomerase; plus strand). Cytogenetic location: 15q24.1.
Variant type: Deletion.
Coding change: c.1137_1140del on transcript NM_002435.3 (MANE Select); coding-DNA positions 1137 to 1140, 4 bases deleted (CAGC; older notation c.1137_1140delCAGC).
Protein change: p.Ser380fs; shifts the reading frame from serine 380.
Molecular consequence: frameshift variant. On other transcripts: 3 prime UTR variant (1).
Genome position (GRCh38, 1-based): chr15:74,897,595-74,897,598, CAGC deleted; deleting any 4 consecutive bases within chr15:74,897,592-74,897,598 gives the same sequence; the c. name uses the placement nearest the transcript's 3' end. VCF-style (leftmost placement, unchanged base first): chr15-74897591-TAGCC-T. GRCh37 (hg19) VCF-style: chr15-75189932-TAGCC-T.
Other names: c.*64_*67del (NM_001289155.2); c.987_990del, p.Ser330fs (NM_001289156.2); c.954_957del, p.Ser319fs (NM_001289157.2); c.1077_1080del, p.Ser360fs (NM_001330372.2); short protein forms S319fs, S380fs, S360fs, S330fs.
Identifiers: ClinVar variation 2109971 (VCV002109971.4), dbSNP rs1373861722, ClinGen allele CA619413316.
Genomic context (GRCh38, chr15:74,897,591, plus strand): 5'-AATACAAGGTCTTGGCACTGGACTCTGCCAGCATCCTCCTGATGGTACAGGGGACAGTAA[TAGCC>T]AGCACACCCACAACCCAGACACCAATCCCTCTGCAACGTGGTGGCGTGCTCTTCATTGGG-3'